The following is an entry in ClinVar:

NM_000455.5(STK11):c.290A>C (p.Lys97Thr)

Gene: STK11 (serine/threonine kinase 11; plus strand). Cytogenetic location: 19p13.3.
Variant type: single nucleotide variant.
Coding change: c.290A>C on transcript NM_000455.5 (MANE Select); coding-DNA position 290, A replaced by C.
Protein change: p.Lys97Thr; replaces lysine 97 with threonine.
Molecular consequence: missense variant. On other transcripts: non-coding transcript variant (1).
Genome position (GRCh38, 1-based): chr19:1,207,203, A>C. VCF-style: chr19-1207203-A-C. GRCh37 (hg19) VCF-style: chr19-1207202-A-C.
Other names: c.290A>C, p.Lys97Thr (NM_001407255.1); short protein forms K97T.
Identifiers: ClinVar variation 3721687 (VCV003721687.2).

ClinVar aggregate classification (germline): Uncertain significance (1 of 4 stars; one submission).

Conditions:
Peutz-Jeghers syndrome (PJS). Also called: POLYPOSIS, HAMARTOMATOUS INTESTINAL; POLYPS-AND-SPOTS SYNDROME; Peutz-Jeghers polyposis; Periorificial lentiginosis syndrome. Identifiers: Orphanet 2869, MedGen C0031269, MeSH D010580, MONDO:0008280, OMIM 175200.

Submission:

Labcorp Genetics (formerly Invitae), Labcorp
Classification: Uncertain significance for Peutz-Jeghers syndrome. Last evaluated: 2024-09-28. Review status: criteria provided, single submitter. Criteria: Invitae Variant Classification Sherloc (09022015). Collection method: clinical testing. Allele origin: germline.
Comment: This sequence change replaces lysine, which is basic and polar, with threonine, which is neutral and polar, at codon 97 of the STK11 protein (p.Lys97Thr). This variant is not present in population databases (gnomAD no frequency). This variant has not been reported in the literature in individuals affected with STK11-related conditions. An algorithm developed to predict the effect of missense changes on protein structure and function (PolyPhen-2) suggests that this variant is likely to be disruptive. In summary, the available evidence is currently insufficient to determine the role of this variant in disease. Therefore, it has been classified as a Variant of Uncertain Significance.